The following is an entry in ClinVar:

ClinVar aggregate classification (germline): Uncertain significance (1 of 4 stars; one submission).

Conditions:
Hereditary cancer-predisposing syndrome. Also called: Neoplastic Syndromes, Hereditary; Tumor predisposition; Hereditary Cancer Syndrome; Hereditary neoplastic syndrome. Identifiers: Orphanet 140162, MedGen C0027672, MeSH D009386, MONDO:0015356.

gnomAD v4.1: 1 of 1,614,184 alleles (0.000062%); highest among the groups gnomAD compares: Non-Finnish European, 0.000085%; no homozygotes.

Submission:

Ambry Genetics
Classification: Uncertain significance for Hereditary cancer-predisposing syndrome. Last evaluated: 2026-01-17. Review status: criteria provided, single submitter. Criteria: Ambry Variant Classification Scheme 2023. Collection method: clinical testing. Allele origin: germline.
Comment: The p.E228A variant (also known as c.683A>C), located in coding exon 2 of the ALK gene, results from an A to C substitution at nucleotide position 683. The glutamic acid at codon 228 is replaced by alanine, an amino acid with dissimilar properties. This amino acid position is conserved. In addition, this alteration is predicted to be tolerated by in silico analysis. Based on the available evidence, the clinical significance of this variant remains unclear.

NM_004304.5(ALK):c.683A>C (p.Glu228Ala)

Gene: ALK (ALK receptor tyrosine kinase; minus strand). Cytogenetic location: 2p23.2.
Variant type: single nucleotide variant.
Coding change: c.683A>C on transcript NM_004304.5 (MANE Select); coding-DNA position 683, A replaced by C.
Protein change: p.Glu228Ala; replaces glutamic acid 228 with alanine.
Molecular consequence: missense variant.
Genome position (GRCh38, 1-based): chr2:29,717,682, T>G on the plus strand (A>C on the coding strand, the complement: ALK is on the minus strand). VCF-style: chr2-29717682-T-G. GRCh37 (hg19) VCF-style: chr2-29940548-T-G.
Other names: short protein forms E228A.
Identifiers: ClinVar variation 4834321 (VCV004834321.1).